The following is an entry in ClinVar:

ClinVar aggregate classification (germline): Likely pathogenic (1 of 4 stars; one submission).

gnomAD v4.1: 1 of 1,211,315 alleles (0.000083%); highest among the groups gnomAD compares: Non-Finnish European, 0.00011%; no homozygotes.

Submission:

GeneDx
Classification: Likely pathogenic. Last evaluated: 2025-04-22. Review status: criteria provided, single submitter. Criteria: GeneDx Variant Classification Process June 2021. Collection method: clinical testing. Allele origin: germline. Affected: yes.
Comment: Nonsense variant predicted to result in protein truncation as the last 22 amino acids are lost, although loss-of-function variants have not been reported downstream of this position in the protein; Not observed at significant frequency in large population cohorts (gnomAD); Has not been previously published as pathogenic or benign to our knowledge

NM_003179.3(SYP):c.874C>T (p.Gln292Ter)

Gene: SYP (synaptophysin; minus strand). Cytogenetic location: Xp11.23.
Variant type: single nucleotide variant.
Coding change: c.874C>T on transcript NM_003179.3 (MANE Select); coding-DNA position 874, C replaced by T.
Protein change: p.Gln292Ter; replaces glutamine 292 with a stop codon.
Molecular consequence: nonsense.
Genome position (GRCh38, 1-based): chrX:49,191,505, G>A on the plus strand (C>T on the coding strand, the complement: SYP is on the minus strand). VCF-style: chrX-49191505-G-A. GRCh37 (hg19) VCF-style: chrX-49047962-G-A.
Other names: short protein forms Q292*.
Identifiers: ClinVar variation 4527018 (VCV004527018.1).